The following is an entry in ClinVar:

ClinVar aggregate classification (germline): Likely benign. Review status: criteria provided, multiple submitters, no conflicts (2 of 4 stars). 3 submissions from 3 submitters: Likely benign (2). 1 of the submissions does not count toward it. Last evaluated 2025-07-20.

Conditions:
Juvenile polyposis syndrome (JPS). Identifiers: Orphanet 2929, MedGen C0345893, MONDO:0017380, OMIM 174900.

Allele frequency attached by ClinVar (database versions not stated): gnomAD 0.00001; 1000 Genomes Project 30x 0.00016; 1000 Genomes Project 0.00020.
gnomAD v4.1: 19 of 1,602,592 alleles (0.0012%); highest among the groups gnomAD compares: East Asian, 0.036%; no homozygotes.

Submissions (3):

Labcorp Genetics (formerly Invitae), Labcorp
Classification: Likely benign for Juvenile polyposis syndrome. Last evaluated: 2025-07-20. Review status: criteria provided, single submitter. Criteria: Invitae Variant Classification Sherloc (09022015). Collection method: clinical testing. Allele origin: germline.

Myriad Genetics, Inc.
Classification: Likely benign for Juvenile polyposis syndrome. Last evaluated: 2023-03-02. Review status: criteria provided, single submitter. Criteria: Myriad Autosomal Dominant, Autosomal Recessive and X-Linked Classification Criteria (2023). Collection method: clinical testing. Allele origin: unknown.
Comment: This variant is considered likely benign. This variant is intronic and is not expected to impact mRNA splicing.

Counsyl
Classification: Likely benign for Juvenile polyposis syndrome. Last evaluated: 2016-07-11. Review status: no assertion criteria provided. Collection method: clinical testing. Allele origin: unknown. Not counted in ClinVar's aggregate classification.

NM_004329.3(BMPR1A):c.334-16A>G

Gene: BMPR1A (bone morphogenetic protein receptor type 1A; plus strand). Cytogenetic location: 10q23.2.
Variant type: single nucleotide variant.
Coding change: c.334-16A>G on transcript NM_004329.3 (MANE Select); 16 bases into the intron before coding-DNA position 334, A replaced by G.
Molecular consequence: intron variant.
Genome position (GRCh38, 1-based): chr10:86,899,778, A>G. VCF-style: chr10-86899778-A-G. GRCh37 (hg19) VCF-style: chr10-88659535-A-G.
Identifiers: ClinVar variation 371878 (VCV000371878.12), dbSNP rs143279531, ClinGen allele CA5585489.